The following is an entry in ClinVar:

ClinVar aggregate classification (germline): Uncertain significance (1 of 4 stars; one submission).

Conditions:
Nance-Horan syndrome (NHS). Identifiers: Orphanet 627, MedGen C0796085, MONDO:0010545, OMIM 302350.

gnomAD v4.1: 1 of 1,212,043 alleles (0.000083%); highest among the groups gnomAD compares: Admixed American, 0.0022%; no homozygotes.

Submission:

Labcorp Genetics (formerly Invitae), Labcorp
Classification: Uncertain significance for Nance-Horan syndrome. Last evaluated: 2026-01-09. Review status: criteria provided, single submitter. Criteria: Invitae Variant Classification Sherloc (09022015). Collection method: clinical testing. Allele origin: germline.
Comment: This sequence change replaces cysteine, which is neutral and slightly polar, with glycine, which is neutral and non-polar, at codon 771 of the NHS protein (p.Cys771Gly). This variant is present in population databases (no rsID available, gnomAD 0.004%). This variant has not been reported in the literature in individuals affected with NHS-related conditions. Invitae Evidence Modeling of protein sequence and biophysical properties (such as structural, functional, and spatial information, amino acid conservation, physicochemical variation, residue mobility, and thermodynamic stability) indicates that this missense variant is expected to disrupt NHS protein function with a positive predictive value of 80%. In summary, the available evidence is currently insufficient to determine the role of this variant in disease. Therefore, it has been classified as a Variant of Uncertain Significance.

NM_001291867.2(NHS):c.2374T>G (p.Cys792Gly)

Gene: NHS (NHS actin remodeling regulator; plus strand). Cytogenetic location: Xp22.13.
Variant type: single nucleotide variant.
Coding change: c.2374T>G on transcript NM_001291867.2 (MANE Select); coding-DNA position 2374, T replaced by G.
Protein change: p.Cys792Gly; replaces cysteine 792 with glycine.
Molecular consequence: missense variant.
Genome position (GRCh38, 1-based): chrX:17,726,480, T>G. VCF-style: chrX-17726480-T-G. GRCh37 (hg19) VCF-style: chrX-17744600-T-G.
Other names: c.1843T>G, p.Cys615Gly (NM_001136024.4); c.1780T>G, p.Cys594Gly (NM_001291868.2); c.2035T>G, p.Cys679Gly (NM_001440780.1); c.2311T>G, p.Cys771Gly (NM_198270.4); short protein forms C771G, C792G, C594G, C615G, C679G.
Identifiers: ClinVar variation 4743027 (VCV004743027.1).
Genomic context (GRCh38, chrX:17,726,480, plus strand): 5'-GACACTAGCTCTCACTTTTCAGTAGACACGGAAGGATACTATACCTCCATGCACTTTGAC[T>G]GTGGTCTCAAAGGTAATAAGAGCTATGTCTGTCACTATGCAGCCCTGGGCCCAGAGAATG-3'
Protein context (NP_001278796.1, residues 782-802): EGYYTSMHFD[Cys792Gly]GLKGNKSYVC